The following is an entry in ClinVar:

NM_144643.4(SCLT1):c.1347G>A (p.Met449Ile)

Gene: SCLT1 (sodium channel and clathrin linker 1; minus strand). Cytogenetic location: 4q28.2.
Variant type: single nucleotide variant.
Coding change: c.1347G>A on transcript NM_144643.4 (MANE Select); coding-DNA position 1347, G replaced by A.
Protein change: p.Met449Ile; replaces methionine 449 with isoleucine.
Molecular consequence: missense variant.
Genome position (GRCh38, 1-based): chr4:128,946,099, C>T on the plus strand (G>A on the coding strand, the complement: SCLT1 is on the minus strand). VCF-style: chr4-128946099-C-T. GRCh37 (hg19) VCF-style: chr4-129867254-C-T.
Other names: short protein forms M449I.
Identifiers: ClinVar variation 1501708 (VCV001501708.8), dbSNP rs1359615869, ClinGen allele CA358186587.

ClinVar aggregate classification (germline): Uncertain significance (1 of 4 stars; one submission).

Submission:

Labcorp Genetics (formerly Invitae), Labcorp
Classification: Uncertain significance. Last evaluated: 2021-04-28. Review status: criteria provided, single submitter. Criteria: Invitae Variant Classification Sherloc (09022015). Collection method: clinical testing. Allele origin: germline.
Comment: Algorithms developed to predict the effect of missense changes on protein structure and function (SIFT, PolyPhen-2, Align-GVGD) all suggest that this variant is likely to be tolerated, but these predictions have not been confirmed by published functional studies and their clinical significance is uncertain. In summary, the available evidence is currently insufficient to determine the role of this variant in disease. Therefore, it has been classified as a Variant of Uncertain Significance. This variant has not been reported in the literature in individuals with SCLT1-related conditions. This variant is not present in population databases (ExAC no frequency). This sequence change replaces methionine with isoleucine at codon 449 of the SCLT1 protein (p.Met449Ile). The methionine residue is moderately conserved and there is a small physicochemical difference between methionine and isoleucine.